The following is an entry in ClinVar:

ClinVar aggregate classification (germline): Uncertain significance (1 of 4 stars; one submission).

Conditions:
RASopathy. Also called: Noonan spectrum disorder; rasopathies. Identifiers: Orphanet 536391, MedGen C5555857, MONDO:0021060.

Allele frequency attached by ClinVar (database versions not stated): ExAC 0.00001.
gnomAD v4.1: 1 of 1,614,144 alleles (0.000062%); highest among the groups gnomAD compares: Non-Finnish European, 0.000085%; no homozygotes.

Submission:

Labcorp Genetics (formerly Invitae), Labcorp
Classification: Uncertain significance for RASopathy. Last evaluated: 2022-04-11. Review status: criteria provided, single submitter. Criteria: Invitae Variant Classification Sherloc (09022015). Collection method: clinical testing. Allele origin: germline.
Comment: This sequence change falls in intron 6 of the BRAF gene. It does not directly change the encoded amino acid sequence of the BRAF protein. This variant is present in population databases (rs772565381, gnomAD 0.0009%). This variant has not been reported in the literature in individuals affected with BRAF-related conditions. Algorithms developed to predict the effect of sequence changes on RNA splicing suggest that this variant may disrupt the consensus splice site. In summary, the available evidence is currently insufficient to determine the role of this variant in disease. Therefore, it has been classified as a Variant of Uncertain Significance.

NM_004333.6(BRAF):c.861-6T>A

Gene: BRAF (B-Raf proto-oncogene, serine/threonine kinase; minus strand). Cytogenetic location: 7q34.
Variant type: single nucleotide variant.
Coding change: c.861-6T>A on transcript NM_004333.6 (MANE Select); 6 bases into the intron before coding-DNA position 861, T replaced by A.
Molecular consequence: intron variant.
Genome position (GRCh38, 1-based): chr7:140,800,487, A>T on the plus strand (T>A on the coding strand, the complement: BRAF is on the minus strand). VCF-style: chr7-140800487-A-T. GRCh37 (hg19) VCF-style: chr7-140500287-A-T.
Other names: c.861-6T>A (NM_001378474.1, NM_001378471.1, NM_001378468.1 and 4 more transcripts); c.759-6T>A (NM_001378470.1); c.597-6T>A (NM_001378475.1); c.870-6T>A (NM_001378467.1); c.705-6T>A (NM_001378472.1, NM_001378473.1).
Identifiers: ClinVar variation 2158251 (VCV002158251.4), dbSNP rs772565381, ClinGen allele CA4516883.